The following is an entry in ClinVar:

NM_001374385.1(ATP8B1):c.698+3_698+6del

Gene: ATP8B1 (ATPase phospholipid transporting 8B1; minus strand). Cytogenetic location: 18q21.31.
Variant type: Deletion.
Coding change: c.698+3_698+6del on transcript NM_001374385.1 (MANE Select); bases 3 to 6 of the intron after coding-DNA position 698, 4 bases deleted (AAGT; older notation c.698+3_698+6delAAGT).
Molecular consequence: splice donor variant.
Genome position (GRCh38, 1-based): chr18:57,697,612-57,697,615, ACTT deleted on the plus strand (AAGT on the coding strand, the reverse complement: ATP8B1 is on the minus strand); deleting any 4 consecutive bases within chr18:57,697,612-57,697,617 gives the same sequence; the c. name uses the placement nearest the transcript's 3' end. VCF-style (leftmost placement, unchanged base first): chr18-57697611-CACTT-C. GRCh37 (hg19) VCF-style: chr18-55364843-CACTT-C.
Other names: c.698+3_698+6del (NM_005603.6); c.548+3_548+6del (NM_001374386.1).
Identifiers: ClinVar variation 3054654 (VCV003054654.2), dbSNP rs2511778147, ClinGen allele CA2740091814.

ClinVar aggregate classification (germline): Uncertain significance (0 of 4 stars; one submission).

Conditions:
ATP8B1-related disorder. Also called: ATP8B1-related disorders; ATP8B1-related condition.

Submission:

PreventionGenetics, part of Exact Sciences
Classification: Uncertain significance for ATP8B1-related condition. Last evaluated: 2023-12-15. Review status: no assertion criteria provided. Collection method: clinical testing. Allele origin: germline.
Comment: The ATP8B1 c.698+3_698+6delAAGT variant is predicted to result in an intronic deletion. This variant is predicted to weaken the canonical donor splice site, although computational predictions are not equivalent to functional evidence (SpliceAI, Jaganathan et al. 2019. PubMed ID: 30661751). To our knowledge, this variant has not been reported in the literature or in a large population database, indicating this variant is rare. At this time, the clinical significance of this variant is uncertain due to the absence of conclusive functional and genetic evidence.